The following is an entry in ClinVar:

NM_001744.6(CAMK4):c.848T>G (p.Leu283Trp)

Gene: CAMK4 (calcium/calmodulin dependent protein kinase IV; plus strand). Cytogenetic location: 5q22.1.
Variant type: single nucleotide variant.
Coding change: c.848T>G on transcript NM_001744.6 (MANE Select); coding-DNA position 848, T replaced by G.
Protein change: p.Leu283Trp; replaces leucine 283 with tryptophan.
Molecular consequence: missense variant.
Genome position (GRCh38, 1-based): chr5:111,482,804, T>G. VCF-style: chr5-111482804-T-G. GRCh37 (hg19) VCF-style: chr5-110818502-T-G.
Other names: c.848T>G, p.Leu283Trp (NM_001323374.2, NM_001323375.2); c.257T>G, p.Leu86Trp (NM_001323376.2, NM_001323377.2); short protein forms L283W, L86W.
Identifiers: ClinVar variation 4086684 (VCV004086684.1).

ClinVar aggregate classification (germline): Uncertain significance (1 of 4 stars; one submission).

Submission:

GeneDx
Classification: Uncertain significance. Last evaluated: 2025-03-17. Review status: criteria provided, single submitter. Criteria: GeneDx Variant Classification Process June 2021. Collection method: clinical testing. Allele origin: germline. Affected: yes.
Comment: Not observed at significant frequency in large population cohorts (gnomAD); In silico analysis supports that this missense variant has a deleterious effect on protein structure/function; Has not been previously published as pathogenic or benign to our knowledge